The following is an entry in ClinVar:

NM_006904.7(PRKDC):c.3529G>A (p.Gly1177Arg)

Gene: PRKDC (protein kinase, DNA-activated, catalytic subunit; minus strand). Cytogenetic location: 8q11.21.
Variant type: single nucleotide variant.
Coding change: c.3529G>A on transcript NM_006904.7 (MANE Select); coding-DNA position 3529, G replaced by A.
Protein change: p.Gly1177Arg; replaces glycine 1177 with arginine.
Molecular consequence: missense variant.
Genome position (GRCh38, 1-based): chr8:47,897,230, C>T on the plus strand (G>A on the coding strand, the complement: PRKDC is on the minus strand). VCF-style: chr8-47897230-C-T. GRCh37 (hg19) VCF-style: chr8-48809790-C-T.
Other names: c.3529G>A, p.Gly1177Arg (NM_001081640.2); short protein forms G1177R.
Identifiers: ClinVar variation 2560663 (VCV002560663.2), dbSNP rs2551874782, ClinGen allele CA371153670.
Genomic context (GRCh38, chr8:47,897,230, plus strand): 5'-AAGGAACGAATTTATAAAAGAGTTCAATGGATTTGTGTCGACATTCTGTCTGGGGCCTCC[C>T]ACAATGAGCTAAAAGCCACTTGACCAGATCCAATAAACACAATGATGCGGAAGGTGGAAA-3'
Protein context (NP_008835.5, residues 1167-1187): DLVKWLLAHC[Gly1177Arg]RPQTECRHKS

ClinVar aggregate classification (germline): Uncertain significance (1 of 4 stars; one submission).

Submission:

Ambry Genetics
Classification: Uncertain significance. Last evaluated: 2023-04-20. Review status: criteria provided, single submitter. Criteria: Ambry Variant Classification Scheme 2023. Collection method: clinical testing. Allele origin: germline.
Comment: The p.G1177R variant (also known as c.3529G>A), located in coding exon 30 of the PRKDC gene, results from a G to A substitution at nucleotide position 3529. The glycine at codon 1177 is replaced by arginine, an amino acid with dissimilar properties. This amino acid position is conserved. In addition, this alteration is predicted to be deleterious by in silico analysis. Since supporting evidence is limited at this time, the clinical significance of this alteration remains unclear.